The following is an entry in ClinVar:

ClinVar aggregate classification (germline): Uncertain significance (0 of 4 stars; one submission).

Conditions:
TUB-related disorder. Also called: TUB-related condition.

gnomAD v4.1: 2 of 1,614,140 alleles (0.00012%); highest among the groups gnomAD compares: Admixed American, 0.0017%; no homozygotes.

Submission:

PreventionGenetics, part of Exact Sciences
Classification: Uncertain significance for TUB-related condition. Last evaluated: 2024-04-04. Review status: no assertion criteria provided. Collection method: clinical testing. Allele origin: germline.
Comment: The TUB c.817C>G variant is predicted to result in the amino acid substitution p.Arg273Gly. To our knowledge, this variant has not been reported in the literature or in a large population database, indicating this variant is rare. At this time, the clinical significance of this variant is uncertain due to the absence of conclusive functional and genetic evidence.

NM_177972.3(TUB):c.652C>G (p.Arg218Gly)

Genes: RIC3 (RIC3 acetylcholine receptor chaperone; minus strand), TUB (TUB bipartite transcription factor; plus strand). Cytogenetic location: 11p15.4.
Variant type: single nucleotide variant.
Coding change: c.652C>G on transcript NM_177972.3 (MANE Select); coding-DNA position 652, C replaced by G.
Protein change: p.Arg218Gly; replaces arginine 218 with glycine.
Molecular consequence: missense variant.
Genome position (GRCh38, 1-based): chr11:8,096,771, C>G. VCF-style: chr11-8096771-C-G. GRCh37 (hg19) VCF-style: chr11-8118318-C-G.
Other names: c.817C>G, p.Arg273Gly (NM_003320.5); short protein forms R218G, R273G.
Identifiers: ClinVar variation 3358408 (VCV003358408.1).
Genomic context (GRCh38, chr11:8,096,771, plus strand): 5'-GAGGATGAGGAGGATGAGGAGGAGAATAGCTCCAGCTCCTCCCAGCTAAATAGTAACACC[C>G]GCCCCAGCTCTGCTACTAGCAGGAAGTCCGTCAGGGTGAGTGAGTGAGTCTGCATCCACA-3'
Protein context (NP_813977.1, residues 208-228): SSSSQLNSNT[Arg218Gly]PSSATSRKSV